The following is an entry in ClinVar:

ClinVar aggregate classification (germline): Pathogenic. Review status: criteria provided, multiple submitters, no conflicts (2 of 4 stars). 3 submissions from 3 submitters: Pathogenic (3). Last evaluated 2025-07-25.

Conditions:
Inborn genetic diseases. Identifiers: MedGen C0950123, MeSH D030342.
KBG syndrome (KBGS). Also called: ANKRD11-Related KBG Syndrome. Identifiers: Orphanet 2332, MedGen C0220687, MONDO:0007846, OMIM 148050.

Allele frequency attached by ClinVar (database versions not stated): gnomAD exomes below 0.00001.
gnomAD v4.1: 1 of 1,612,260 alleles (0.000062%); no homozygotes.

Submissions (3):

Victorian Clinical Genetics Services, Murdoch Childrens Research Institute
Classification: Pathogenic for KBG syndrome. Last evaluated: 2025-07-25. Review status: criteria provided, single submitter. Criteria: ACMG Guidelines, 2015. Collection method: clinical testing. Allele origin: germline. Affected: yes.
Comment: This variant is classified as Pathogenic. Evidence in support of pathogenic classification: Variant is predicted to cause nonsense-mediated decay (NMD) and loss of protein (premature termination codon is located at least 54 nucleotides upstream of the final exon-exon junction); Variant is present in gnomAD <0.001 for a dominant condition (v4: 1 heterozygote(s), 0 homozygote(s)); This variant has limited previous evidence of pathogenicity in unrelated individual(s). This variant has been classified as pathogenic by clinical laboratories in ClinVar. - Other NMD-predicted variant(s) comparable to the one identified in this case have very strong previous evidence for pathogenicity (ClinVar). Additional information: This variant is heterozygous; This gene is associated with autosomal dominant disease; Loss of function is a known mechanism of disease in this gene and is associated with KBG syndrome (MIM#148050); Variants in this gene are known to have variable expressivity. Intrafamilial variability is commonly reported (PMID: 29258554); Parental origin of the variant is unresolved.

Ambry Genetics
Classification: Pathogenic for Inborn genetic diseases. Last evaluated: 2017-08-07. Review status: criteria provided, single submitter. Criteria: Ambry exome assertion method (8-5-2015). Collection method: clinical testing. Allele origin: germline. Affected: yes. Observed: 1 variant allele.

Neuberg Centre For Genomic Medicine, NCGM
Classification: Pathogenic for KBG syndrome. Review status: criteria provided, single submitter. Criteria: ACMG Guidelines, 2015. Collection method: clinical testing. Allele origin: germline. Affected: yes.
Comment: This variant has been reported to the ClinVar database as Pathogenic but no details are available for independent assessment. The nucleotide change in ANKRD11 is predicted as conserved by GERP++ and PhyloP across 100 vertebrates. The variant is novel (not in any individuals) in gnomAD Exomes and 1000 Genomes. Loss of function variants have been previously reported to be disease causing. Hence the above variant has been classified as Pathogenic.

Literature cited by the submitters: PubMed 29258554 (cited by Victorian Clinical Genetics Services, Murdoch Childrens Research Institute).

NM_013275.6(ANKRD11):c.7327C>T (p.Gln2443Ter)

Gene: ANKRD11 (ankyrin repeat domain 11; minus strand). Cytogenetic location: 16q24.3.
Variant type: single nucleotide variant.
Coding change: c.7327C>T on transcript NM_013275.6 (MANE Select); coding-DNA position 7327, C replaced by T.
Protein change: p.Gln2443Ter; replaces glutamine 2443 with a stop codon.
Molecular consequence: nonsense.
Genome position (GRCh38, 1-based): chr16:89,279,215, G>A on the plus strand (C>T on the coding strand, the complement: ANKRD11 is on the minus strand). VCF-style: chr16-89279215-G-A. GRCh37 (hg19) VCF-style: chr16-89345623-G-A.
Other names: c.7327C>T, p.Gln2443Ter (NM_001256182.2, NM_001256183.2); short protein forms Q2443*.
Identifiers: ClinVar variation 522007 (VCV000522007.7), dbSNP rs1555524861, ClinGen allele CA397148601.
Genomic context (GRCh38, chr16:89,279,215, plus strand): 5'-GCGCCTGCGGCGTGATACAGCACAGGATCTTGCGCTTCTCCTCGATCTTCTTCCTGATCT[G>A]CAGGTATTCGAAGTAGGGGTTGGCCCTGTCGCTGTGGTAGGGCTCGATGGCATCCAGCTT-3'